The following is an entry in ClinVar:

NM_152594.3(SPRED1):c.234dup (p.Asp79fs)

Gene: SPRED1 (sprouty related EVH1 domain containing 1; plus strand). Cytogenetic location: 15q14.
Variant type: Duplication.
Coding change: c.234dup on transcript NM_152594.3 (MANE Select); coding-DNA position 234, one base duplicated (A; older notation c.234dupA).
Protein change: p.Asp79fs; shifts the reading frame from aspartic acid 79.
Molecular consequence: frameshift variant.
Genome position (GRCh38, 1-based): chr15:38,322,267, A duplicated; the last of 6 consecutive A bases (chr15:38,322,262-38,322,267); duplicating any one gives the same sequence. VCF-style (leftmost placement, unchanged base first): chr15-38322261-T-TA. GRCh37 (hg19) VCF-style: chr15-38614462-T-TA.
Other names: c.234dupA (NM_152594.2); short protein forms D79fs.
Identifiers: ClinVar variation 573472 (VCV000573472.9), dbSNP rs1566867209, ClinGen allele CA891844566.

ClinVar aggregate classification (germline): Pathogenic. Review status: criteria provided, multiple submitters, no conflicts (2 of 4 stars). 2 submissions from 2 submitters: Pathogenic (2). Last evaluated 2023-08-04.

Conditions:
Cardiovascular phenotype. Identifiers: MedGen CN230736.
Legius syndrome. Identifiers: Orphanet 137605, MedGen C1969623, MONDO:0012669, OMIM 611431. Disease mechanism: loss of function.

Submissions (2):

Ambry Genetics
Classification: Pathogenic for Cardiovascular phenotype. Last evaluated: 2023-08-04. Review status: criteria provided, single submitter. Criteria: Ambry Variant Classification Scheme 2023. Collection method: clinical testing. Allele origin: germline.
Comment: The c.234dupA (p.D79Rfs*5) alteration, located in exon 3 (coding exon 3) of the SPRED1 gene, consists of a duplication of A at position 234, causing a translational frameshift with a predicted alternate stop codon after 5 amino acids. This alteration is expected to result in loss of function by premature protein truncation or nonsense-mediated mRNA decay. This variant was not reported in population-based cohorts in the Genome Aggregation Database (gnomAD). Based on the available evidence, this alteration is classified as pathogenic.

Labcorp Genetics (formerly Invitae), Labcorp
Classification: Pathogenic for Legius syndrome. Last evaluated: 2018-05-24. Review status: criteria provided, single submitter. Criteria: Invitae Variant Classification Sherloc (09022015). Collection method: clinical testing. Allele origin: germline.
Comment: For these reasons, this variant has been classified as Pathogenic. Loss-of-function variants in SPRED1 are known to be pathogenic (PMID: 17704776). This variant has not been reported in the literature in individuals with SPRED1-related disease. This variant is not present in population databases (ExAC no frequency). This sequence change creates a premature translational stop signal (p.Asp79Argfs*5) in the SPRED1 gene. It is expected to result in an absent or disrupted protein product.

Literature cited by the submitters: PubMed 17704776 (cited by Labcorp Genetics (formerly Invitae), Labcorp).